The following is an entry in ClinVar:

ClinVar aggregate classification (germline): Uncertain significance (1 of 4 stars; one submission).

Conditions:
Autosomal dominant Parkinson disease 8. Also called: Parkinson disease 8, susceptibility to; LRRK2-Related Parkinson Disease; Parkinson disease 8. Identifiers: Orphanet 411602, MedGen C1846862, MONDO:0011764, OMIM 607060.

Submission:

Labcorp Genetics (formerly Invitae), Labcorp
Classification: Uncertain significance for Autosomal dominant Parkinson disease 8. Last evaluated: 2021-12-10. Review status: criteria provided, single submitter. Criteria: Invitae Variant Classification Sherloc (09022015). Collection method: clinical testing. Allele origin: germline.
Comment: This sequence change replaces asparagine, which is neutral and polar, with histidine, which is basic and polar, at codon 130 of the LRRK2 protein (p.Asn130His). This variant is not present in population databases (gnomAD no frequency). In summary, the available evidence is currently insufficient to determine the role of this variant in disease. Therefore, it has been classified as a Variant of Uncertain Significance. Algorithms developed to predict the effect of missense changes on protein structure and function (SIFT, PolyPhen-2, Align-GVGD) all suggest that this variant is likely to be tolerated. This variant has not been reported in the literature in individuals affected with LRRK2-related conditions.

NM_198578.4(LRRK2):c.388A>C (p.Asn130His)

Gene: LRRK2 (leucine rich repeat kinase 2; plus strand). Cytogenetic location: 12q12.
Variant type: single nucleotide variant.
Coding change: c.388A>C on transcript NM_198578.4 (MANE Select); coding-DNA position 388, A replaced by C.
Protein change: p.Asn130His; replaces asparagine 130 with histidine.
Molecular consequence: missense variant.
Genome position (GRCh38, 1-based): chr12:40,235,666, A>C. VCF-style: chr12-40235666-A-C. GRCh37 (hg19) VCF-style: chr12-40629468-A-C.
Other names: short protein forms N130H.
Identifiers: ClinVar variation 2039464 (VCV002039464.4), dbSNP rs1416061236, ClinGen allele CA384402814.